The following continues an entry in ClinVar:

NM_001009944.3(PKD1):c.2534T>C (p.Leu845Ser)

Gene: PKD1. ClinVar aggregate classification (germline): Pathogenic/Likely pathogenic. Pathogenic (11); Likely pathogenic (6).

Submissions 16 to 20 of 20:

Clinical Genetics Service, Universitary Hospital 12 de Octubre
Classification: Pathogenic for Polycystic kidney disease, adult type. Review status: criteria provided, single submitter. Criteria: ACMG Guidelines, 2015. Collection method: clinical testing. Allele origin: germline. Affected: yes.

Juno Genomics, Hangzhou Juno Genomics, Inc
Classification: Pathogenic for Polycystic kidney disease, adult type. Review status: criteria provided, single submitter. Criteria: ACMG Guidelines, 2015. Collection method: clinical testing. Allele origin: germline. Affected: yes.
Comment: Absent from controls (or at extremely low frequency if recessive) in Genome Aggregation Database, Exome Sequencing Project, 1000 Genomes Project, or Exome Aggregation Consortium.;The prevalence of the variant in affected individuals is significantly increased compared to the prevalence in controls.;Assumed de novo, but without confirmation of paternity and maternity.;Co-segregation with disease in multiple affected family members in a gene definitively known to cause the disease.;Patient's phenotype or family history is highly specific for a disease with a single genetic etiology.

PreventionGenetics, part of Exact Sciences
Classification: Pathogenic for PKD1-related condition. Last evaluated: 2024-06-26. Review status: no assertion criteria provided. Collection method: clinical testing. Allele origin: germline. Not counted in ClinVar's aggregate classification.
Comment: The PKD1 c.2534T>C variant is predicted to result in the amino acid substitution p.Leu845Ser. This variant has been repeatedly reported in unrelated patients with autosomal dominant polycystic kidney disease (ADPKD) and it was widely documented as a “highly likely pathogenic” variant (Thomas et al. 1999. PubMed ID: 10364515; Liu et al. 2015. PubMed ID: 26632257; Peltola et al. 2005. PubMed ID: 15772804). This variant is reported in 0.0085% of alleles in individuals of European (Finnish) descent in gnomAD. This variant is interpreted as pathogenic.

OMIM
Classification: Pathogenic for POLYCYSTIC KIDNEY DISEASE 1. Last evaluated: 1999-07-01. Review status: no assertion criteria provided. Collection method: literature only. Allele origin: germline. Not counted in ClinVar's aggregate classification.

Department of Pathology and Laboratory Medicine, Sinai Health System
Classification: Likely pathogenic for Polycystic Kidney disease. Review status: no assertion criteria provided. Collection method: clinical testing. Allele origin: unknown. Affected: yes. Study: The Canadian Open Genetics Repository (COGR). Not counted in ClinVar's aggregate classification.
Comment: The PKD1 p.Leu845Ser variant was identified in 4 of 346 proband chromosomes (frequency: 0.012) from individuals or families of Chinese and Finnish ethnicity with ADPKD and was not identified in 420 control chromosomes from healthy individuals (Audrezet 2015, Liu 2015, Peltola 2005, Thomas 1999). Thomas et al (1999) identified the p.Leu845Ser variant in one affected individual and was not identified in the patientâ€šÃ„Ã´s unaffected daughter. The variant was also identified in dbSNP (ID: rs199476100) as â€šÃ„ÃºWith Pathogenic alleleâ€šÃ„Ã¹, ClinVar database as pathogenic by OMIM and in ADPKD Mutation Database as highly likely pathogenic. The variant was not identified in GeneInsight-COGR, LOVD 3.0, PKD1-LOVD, databases nor was it identified in the 1000 Genomes and the NHLBI GO Exome Sequencing Projects. The variant was identified in control databases in 1 of 226770 chromosomes at a frequency of 0.000004 (Genome Aggregation Consortium Feb 27, 2017). In addition we cannot be certain that data from control databases is specific to PKD1 and not from one of the six PKD1 pseudogenes. The p.Leu845Ser residue is conserved in mammals but not in more distantly related organisms and computational analyses (PolyPhen-2, SIFT, AlignGVGD, BLOSUM, MutationTaster) suggest that the p.Leu845Ser variant may impact the protein. However, this information is not predictive enough to assume pathogenicity. The variant predicts a change from a neutral and hydrophobic Leu to a polar Ser at position 845, six residues N-terminal to the start of PKD domain 2 (Thomas 1999). The variant occurs outside of the splicing consensus sequence and in silico or computational prediction software programs (SpliceSiteFinder, MaxEntScan, NNSPLICE, GeneSplicer, HumanSpliceFinder) do not predict a difference in splicing. The variant is located within the Polycystin cation channel functional domain increasing the likelihood that it may have clinical significance. In summary, based on the above information, the clinical significance of this variant cannot be determined with certainty at this time although we would lean towards a more pathogenic role for this variant. This variant is classified as likely pathogenic.

Literature cited by the submitters: PubMed 33532864 (cited by Women's Health and Genetics/Laboratory Corporation of America, LabCorp and Molecular Biology Laboratory, Fundació Puigvert); PubMed 10364515 (cited by 5 submitters); PubMed 33454723 (cited by Women's Health and Genetics/Laboratory Corporation of America, LabCorp); PubMed 31740684 (cited by Women's Health and Genetics/Laboratory Corporation of America, LabCorp); PubMed 37372416 (cited by Women's Health and Genetics/Laboratory Corporation of America, LabCorp); PubMed 36186434 (cited by Women's Health and Genetics/Laboratory Corporation of America, LabCorp); PubMed 26632257 (cited by Women's Health and Genetics/Laboratory Corporation of America, LabCorp and Athena Diagnostics); PubMed 15772804 (cited by 3 submitters); PubMed 22383692 (cited by 3 submitters); PubMed 26139440 (cited by 3billion and Athena Diagnostics); PubMed 10854095 (cited by Athena Diagnostics).